The following is an entry in ClinVar:

ClinVar aggregate classification (germline): Uncertain significance (1 of 4 stars; one submission).

Allele frequency attached by ClinVar (database versions not stated): gnomAD exomes below 0.00001; gnomAD 0.00001 and 0.00003.
gnomAD v4.1: 2 of 1,611,572 alleles (0.00012%); highest among the groups gnomAD compares: African/African-American, 0.0013%; no homozygotes.

Submission:

Biesecker Lab/Clinical Genomics Section, National Institutes of Health
Classification: Uncertain significance. Last evaluated: 2013-06-24. Review status: criteria provided, single submitter. Criteria: Ng et al. (Circ Cardiovasc Genet. 2013). Collection method: research. Allele origin: unknown. Observed: 1 variant allele. Study: ClinSeq.
Comment: The study set was not selected for affection status in relation to any cancer. Pathogenicity categories were based on literature curation. See Pubmed ID:23861362 for details.

Medical sequencing

NM_001267550.2(TTN):c.26177G>A (p.Cys8726Tyr)

Gene: TTN (titin; minus strand). Cytogenetic location: 2q31.2.
Variant type: single nucleotide variant.
Coding change: c.26177G>A on transcript NM_001267550.2 (MANE Select); coding-DNA position 26177, G replaced by A.
Protein change: p.Cys8726Tyr; replaces cysteine 8726 with tyrosine.
Molecular consequence: missense variant. On other transcripts: intron variant (3).
Genome position (GRCh38, 1-based): chr2:178,715,009, C>T on the plus strand (G>A on the coding strand, the complement: TTN is on the minus strand). VCF-style: chr2-178715009-C-T. GRCh37 (hg19) VCF-style: chr2-179579736-C-T.
Other names: c.25226G>A, p.Cys8409Tyr (NM_001256850.1); c.22445G>A, p.Cys7482Tyr (NM_133378.4); c.13282+23073G>A (NM_003319.4); c.13858+23073G>A (NM_133437.4); c.13657+23073G>A (NM_133432.3); short protein forms C7482Y, C8726Y, C8409Y.
Identifiers: ClinVar variation 192007 (VCV000192007.1), dbSNP rs786205399, ClinGen allele CA238087.